The following is an entry in ClinVar:

NM_001184.4(ATR):c.6074A>G (p.Tyr2025Cys)

Gene: ATR (ATR serine/threonine kinase; minus strand). Cytogenetic location: 3q23.
Variant type: single nucleotide variant.
Coding change: c.6074A>G on transcript NM_001184.4 (MANE Select); coding-DNA position 6074, A replaced by G.
Protein change: p.Tyr2025Cys; replaces tyrosine 2025 with cysteine.
Molecular consequence: missense variant.
Genome position (GRCh38, 1-based): chr3:142,493,136, T>C on the plus strand (A>G on the coding strand, the complement: ATR is on the minus strand). VCF-style: chr3-142493136-T-C. GRCh37 (hg19) VCF-style: chr3-142211978-T-C.
Other names: c.5882A>G, p.Tyr1961Cys (NM_001354579.2); short protein forms Y1961C, Y2025C.
Identifiers: ClinVar variation 3712147 (VCV003712147.1).

ClinVar aggregate classification (germline): Uncertain significance (1 of 4 stars; one submission).

Submission:

Labcorp Genetics (formerly Invitae), Labcorp
Classification: Uncertain significance. Last evaluated: 2024-05-08. Review status: criteria provided, single submitter. Criteria: Invitae Variant Classification Sherloc (09022015). Collection method: clinical testing. Allele origin: germline.
Comment: This sequence change replaces tyrosine, which is neutral and polar, with cysteine, which is neutral and slightly polar, at codon 2025 of the ATR protein (p.Tyr2025Cys). This variant is not present in population databases (gnomAD no frequency). This variant has not been reported in the literature in individuals affected with ATR-related conditions. An algorithm developed to predict the effect of missense changes on protein structure and function (PolyPhen-2) suggests that this variant is likely to be disruptive. Algorithms developed to predict the effect of sequence changes on RNA splicing suggest that this variant may disrupt the consensus splice site. In summary, the available evidence is currently insufficient to determine the role of this variant in disease. Therefore, it has been classified as a Variant of Uncertain Significance.